The following is an entry in ClinVar:

NM_000553.6(WRN):c.3828A>G (p.Ile1276Met)

Gene: WRN (WRN RecQ like helicase; plus strand). Cytogenetic location: 8p12.
Variant type: single nucleotide variant.
Coding change: c.3828A>G on transcript NM_000553.6 (MANE Select); coding-DNA position 3828, A replaced by G.
Protein change: p.Ile1276Met; replaces isoleucine 1276 with methionine.
Molecular consequence: missense variant.
Genome position (GRCh38, 1-based): chr8:31,157,376, A>G. VCF-style: chr8-31157376-A-G. GRCh37 (hg19) VCF-style: chr8-31014892-A-G.
Other names: short protein forms I1276M.
Identifiers: ClinVar variation 666171 (VCV000666171.5), dbSNP rs1585536578, ClinGen allele CA370929291.

ClinVar aggregate classification (germline): Uncertain significance (1 of 4 stars; one submission).

Conditions:
Werner syndrome (WRN). Identifiers: Orphanet 902, MedGen C0043119, MONDO:0010196, OMIM 277700.

Submission:

Labcorp Genetics (formerly Invitae), Labcorp
Classification: Uncertain significance for Werner syndrome. Last evaluated: 2022-12-25. Review status: criteria provided, single submitter. Criteria: Invitae Variant Classification Sherloc (09022015). Collection method: clinical testing. Allele origin: germline.
Comment: In summary, the available evidence is currently insufficient to determine the role of this variant in disease. Therefore, it has been classified as a Variant of Uncertain Significance. Algorithms developed to predict the effect of missense changes on protein structure and function are either unavailable or do not agree on the potential impact of this missense change (SIFT: "Not Available"; PolyPhen-2: "Possibly Damaging"; Align-GVGD: "Not Available"). ClinVar contains an entry for this variant (Variation ID: 666171). This variant has not been reported in the literature in individuals affected with WRN-related conditions. This variant is not present in population databases (gnomAD no frequency). This sequence change replaces isoleucine, which is neutral and non-polar, with methionine, which is neutral and non-polar, at codon 1276 of the WRN protein (p.Ile1276Met).